The following is an entry in ClinVar:

ClinVar aggregate classification (germline): Uncertain significance (1 of 4 stars; one submission).

Conditions:
Sulfite oxidase deficiency due to molybdenum cofactor deficiency type C. Also called: Molybdenum cofactor deficiency, complementation group C; Molybdenum cofactor deficiency C. Identifiers: Orphanet 308400, Orphanet 833, MedGen C1854990, MONDO:0014212, OMIM 615501.

Submission:

Labcorp Genetics (formerly Invitae), Labcorp
Classification: Uncertain significance for Sulfite oxidase deficiency due to molybdenum cofactor deficiency type C. Last evaluated: 2019-08-29. Review status: criteria provided, single submitter. Criteria: Invitae Variant Classification Sherloc (09022015). Collection method: clinical testing. Allele origin: germline.
Comment: This sequence change falls in intron 15 of the GPHN gene. It does not directly change the encoded amino acid sequence of the GPHN protein. This variant is not present in population databases (ExAC no frequency). This variant has not been reported in the literature in individuals with GPHN-related conditions. Algorithms developed to predict the effect of sequence changes on RNA splicing suggest that this variant may disrupt the consensus splice site, but this prediction has not been confirmed by published transcriptional studies. In summary, the available evidence is currently insufficient to determine the role of this variant in disease. Therefore, it has been classified as a Variant of Uncertain Significance.

NM_020806.5(GPHN):c.1473-5T>G

Gene: GPHN (gephyrin; plus strand). Cytogenetic location: 14q23.3.
Variant type: single nucleotide variant.
Coding change: c.1473-5T>G on transcript NM_020806.5 (MANE Select); 5 bases into the intron before coding-DNA position 1473, T replaced by G.
Molecular consequence: intron variant.
Genome position (GRCh38, 1-based): chr14:67,113,013, T>G. VCF-style: chr14-67113013-T-G. GRCh37 (hg19) VCF-style: chr14-67579730-T-G.
Other names: c.1533-5T>G (NM_001377514.1); c.1413-5T>G (NM_001377519.1); c.1503-5T>G (NM_001377515.1); c.1494-5T>G (NM_001377516.1); c.1431-5T>G (NM_001377518.1); c.1446-5T>G (NM_001377517.1); c.1374-5T>G (NM_001024218.2).
Identifiers: ClinVar variation 936277 (VCV000936277.9), dbSNP rs2078467170, ClinGen allele CA1139663511.